The following is an entry in ClinVar:

NM_001098537.3(PNPLA7):c.2892C>T (p.Ala964=)

Gene: PNPLA7 (patatin like domain 7, lysophospholipase; minus strand). Cytogenetic location: 9q34.3.
Variant type: single nucleotide variant.
Coding change: c.2892C>T on transcript NM_001098537.3 (MANE Select); coding-DNA position 2892, C replaced by T.
Protein change: p.Ala964=; no amino-acid change (alanine 964 retained).
Molecular consequence: synonymous variant.
Genome position (GRCh38, 1-based): chr9:137,467,464, G>A on the plus strand (C>T on the coding strand, the complement: PNPLA7 is on the minus strand). VCF-style: chr9-137467464-G-A. GRCh37 (hg19) VCF-style: chr9-140361916-G-A.
Other names: c.2817C>T, p.Ala939= (NM_152286.5).
Identifiers: ClinVar variation 2659825 (VCV002659825.24), dbSNP rs558615529, ClinGen allele CA5371185.
Genomic context (GRCh38, chr9:137,467,464, plus strand): 5'-GCCTCCCACCATGTCCACAGGGATGCCGCACTCCGCCAAGGCCTTGAGAACGCCCACCTG[G>A]GCACAGCCTCTACACCAGCCAGGGACACAGAGCAAGGAGTGAGTACCAGGCCCAGGCTGC-3'
Protein context (NP_001092007.2, residues 954-974): VLGGGGARGC[Ala964=]QVGVLKALAE

ClinVar aggregate classification (germline): Likely benign (1 of 4 stars; one submission).

Allele frequency attached by ClinVar (database versions not stated): TOPMed 0.00007; gnomAD 0.00008; gnomAD exomes 0.00010; ExAC 0.00013; 1000 Genomes Project 30x 0.00016; 1000 Genomes Project 0.00020.
gnomAD v4.1: 172 of 1,612,894 alleles (0.011%); highest among the groups gnomAD compares: Middle Eastern, 0.16%; no homozygotes.

Submission:

CeGaT Center for Human Genetics Tuebingen
Classification: Likely benign. Last evaluated: 2022-06-01. Review status: criteria provided, single submitter. Criteria: CeGaT Center For Human Genetics Tuebingen Variant Classification Criteria Version 2. Collection method: clinical testing. Allele origin: germline. Affected: yes. Observed: 1 variant allele.
Comment: PNPLA7: BP4, BP7